The following is an entry in ClinVar:

ClinVar aggregate classification (germline): Pathogenic. Review status: criteria provided, multiple submitters, no conflicts (2 of 4 stars). 2 submissions from 2 submitters: Pathogenic (2). Last evaluated 2025-09-09.

Conditions:
Retinitis pigmentosa 28 (RP28). Identifiers: Orphanet 791, MedGen C1419614, MONDO:0011630, OMIM 606068.

Submissions (2):

Myriad Genetics, Inc.
Classification: Pathogenic for Retinitis pigmentosa 28. Last evaluated: 2025-09-09. Review status: criteria provided, single submitter. Criteria: Myriad Autosomal Dominant, Autosomal Recessive and X-Linked Classification Criteria (2023). Collection method: clinical testing. Allele origin: unknown.
Comment: NM_001201543.1(FAM161A):c.1095T>G(Y365*) is a nonsense variant classified as pathogenic in the context of retinitis pigmentosa, FAM161A-related. Y365* has not been observed in cases with relevant disease. Relevant functional assessments of this variant are not available in the literature. Y365* has not been observed in referenced population frequency databases. In summary, NM_001201543.1(FAM161A):c.1095T>G(Y365*) is a nonsense variant in a gene where loss of function is a known mechanism of disease and is predicted to disrupt protein function. Please note: this variant was assessed in the context of healthy population screening.

DBGen Ocular Genomics
Classification: Pathogenic for Retinitis pigmentosa 28. Last evaluated: 2021-06-11. Review status: criteria provided, single submitter. Criteria: ACMG Guidelines, 2015. Collection method: clinical testing. Allele origin: germline. Affected: yes. Observed: 1 variant allele.

NM_001201543.2(FAM161A):c.1095T>G (p.Tyr365Ter)

Gene: FAM161A (FAM161 centrosomal protein A; minus strand). Cytogenetic location: 2p15.
Variant type: single nucleotide variant.
Coding change: c.1095T>G on transcript NM_001201543.2 (MANE Select); coding-DNA position 1095, T replaced by G.
Protein change: p.Tyr365Ter; replaces tyrosine 365 with a stop codon.
Molecular consequence: nonsense. On other transcripts: non-coding transcript variant (1).
Genome position (GRCh38, 1-based): chr2:61,839,909, A>C on the plus strand (T>G on the coding strand, the complement: FAM161A is on the minus strand). VCF-style: chr2-61839909-A-C. GRCh37 (hg19) VCF-style: chr2-62067044-A-C.
Other names: c.1095T>G, p.Tyr365Ter (NM_032180.3); short protein forms Y365*.
Identifiers: ClinVar variation 1213998 (VCV001213998.3), dbSNP rs1253790930, ClinGen allele CA346987451.